The following is an entry in ClinVar:

ClinVar aggregate classification (germline): Uncertain significance. Review status: criteria provided, multiple submitters, no conflicts (2 of 4 stars). 2 submissions from 2 submitters: Uncertain significance (2). Last evaluated 2024-03-07.

Conditions:
Arrhythmogenic right ventricular dysplasia 11. Also called: ARRHYTHMOGENIC RIGHT VENTRICULAR DYSPLASIA, FAMILIAL, 11; Arrhythmogenic Right Ventricular Dysplasia/Cardiomyopathy11; Arrhythmogenic right ventricular dysplasia 11 with mild palmoplantar keratoderma and woolly hair. Identifiers: MedGen C1864850, MONDO:0012506, OMIM 610476.
Cardiomyopathy (CMYO). Also called: Cardiomyopathies. Identifiers: Orphanet 167848, MedGen C0878544, MONDO:0004994, HP:0001638. Inheritance: Various modes of inheritance.

gnomAD v4.1: 1 of 1,614,072 alleles (0.000062%); no homozygotes.

Submissions (2):

Color Diagnostics, LLC DBA Color Health
Classification: Uncertain significance for Cardiomyopathy. Last evaluated: 2024-03-07. Review status: criteria provided, single submitter. Criteria: ACMG Guidelines, 2015. Collection method: clinical testing. Allele origin: germline.
Comment: This missense variant replaces glycine with cysteine at codon 870 of the DSC2 protein. Computational prediction tool is inconclusive regarding the impact of this variant on protein structure and function (internally defined REVEL score threshold 0.5 < inconclusive < 0.7, PMID: 27666373). Splice site prediction tools suggest that this variant may not impact RNA splicing. To our knowledge, functional studies have not been performed for this variant. This variant has not been reported in individuals affected with cardiovascular disorders in the literature. This variant has not been identified in the general population by the Genome Aggregation Database (gnomAD). The available evidence is insufficient to determine the role of this variant in disease conclusively. Therefore, this variant is classified as a Variant of Uncertain Significance.

Labcorp Genetics (formerly Invitae), Labcorp
Classification: Uncertain significance for Arrhythmogenic right ventricular dysplasia 11. Last evaluated: 2021-02-19. Review status: criteria provided, single submitter. Criteria: Invitae Variant Classification Sherloc (09022015). Collection method: clinical testing. Allele origin: germline.
Comment: This variant has not been reported in the literature in individuals with DSC2-related conditions. ClinVar contains an entry for this variant (Variation ID: 918734). Algorithms developed to predict the effect of missense changes on protein structure and function are either unavailable or do not agree on the potential impact of this missense change (SIFT: "Deleterious"; PolyPhen-2: "Probably Damaging"; Align-GVGD: "Class C0"). In summary, the available evidence is currently insufficient to determine the role of this variant in disease. Therefore, it has been classified as a Variant of Uncertain Significance. This variant is not present in population databases (ExAC no frequency). This sequence change replaces glycine with cysteine at codon 870 of the DSC2 protein (p.Gly870Cys). The glycine residue is highly conserved and there is a large physicochemical difference between glycine and cysteine.

NM_024422.6(DSC2):c.2608G>T (p.Gly870Cys)

Gene: DSC2 (desmocollin 2; minus strand). Cytogenetic location: 18q12.1.
Variant type: single nucleotide variant.
Coding change: c.2608G>T on transcript NM_024422.6 (MANE Select); coding-DNA position 2608, G replaced by T.
Protein change: p.Gly870Cys; replaces glycine 870 with cysteine.
Molecular consequence: missense variant. On other transcripts: 3 prime UTR variant (1).
Genome position (GRCh38, 1-based): chr18:31,068,113, C>A on the plus strand (G>T on the coding strand, the complement: DSC2 is on the minus strand). VCF-style: chr18-31068113-C-A. GRCh37 (hg19) VCF-style: chr18-28648079-C-A.
Other names: c.*110G>T (NM_004949.5); short protein forms G870C.
Identifiers: ClinVar variation 918734 (VCV000918734.11), dbSNP rs1986689119, ClinGen allele CA402110420.